The following is an entry in ClinVar:

ClinVar aggregate classification (germline): Uncertain significance (1 of 4 stars; one submission).

gnomAD v4.1: 1 of 1,613,998 alleles (0.000062%); highest among the groups gnomAD compares: Non-Finnish European, 0.000085%; no homozygotes.

Submission:

GeneDx
Classification: Uncertain significance. Last evaluated: 2024-03-22. Review status: criteria provided, single submitter. Criteria: GeneDx Variant Classification Process June 2021. Collection method: clinical testing. Allele origin: germline. Affected: yes.
Comment: Not observed at significant frequency in large population cohorts (gnomAD); In silico analysis supports that this missense variant does not alter protein structure/function; Has not been previously published as pathogenic or benign to our knowledge

NM_015465.5(GEMIN5):c.4418A>T (p.His1473Leu)

Gene: GEMIN5 (gem nuclear organelle associated protein 5; minus strand). Cytogenetic location: 5q33.2.
Variant type: single nucleotide variant.
Coding change: c.4418A>T on transcript NM_015465.5 (MANE Select); coding-DNA position 4418, A replaced by T.
Protein change: p.His1473Leu; replaces histidine 1473 with leucine.
Molecular consequence: missense variant.
Genome position (GRCh38, 1-based): chr5:154,888,319, T>A on the plus strand (A>T on the coding strand, the complement: GEMIN5 is on the minus strand). VCF-style: chr5-154888319-T-A. GRCh37 (hg19) VCF-style: chr5-154267879-T-A.
Other names: c.4415A>T, p.His1472Leu (NM_001252156.2); short protein forms H1472L, H1473L.
Identifiers: ClinVar variation 3371407 (VCV003371407.1).
Genomic context (GRCh38, chr5:154,888,319, plus strand): 5'-TATTTCTGAAGGAGCTCTTGGGCCTGCTGCTGCATTTCCTGGGCCAGACAGCCAGGAAAG[T>A]GGGACCTGATGAGAAGCAGGACGAGGCAGCACTCCAGCACATCTGGGAAGGGCCAGGCCT-3'
Protein context (NP_056280.2, residues 1463-1483): CCLVLLLIRS[His1473Leu]FPGCLAQEMQ